The following is an entry in ClinVar:

NM_000219.6(KCNE1):c.174C>A (p.Thr58=)

Gene: KCNE1 (potassium voltage-gated channel subfamily E regulatory subunit 1; minus strand). Cytogenetic location: 21q22.12.
Variant type: single nucleotide variant.
Coding change: c.174C>A on transcript NM_000219.6 (MANE Select); coding-DNA position 174, C replaced by A.
Protein change: p.Thr58=; no amino-acid change (threonine 58 retained).
Molecular consequence: synonymous variant.
Genome position (GRCh38, 1-based): chr21:34,449,461, G>T on the plus strand (C>A on the coding strand, the complement: KCNE1 is on the minus strand). VCF-style: chr21-34449461-G-T. GRCh37 (hg19) VCF-style: chr21-35821759-G-T.
Other names: c.174C>A, p.Thr58= (NM_001127668.4, NM_001127669.4, NM_001127670.4 and 4 more transcripts).
Identifiers: ClinVar variation 3374244 (VCV003374244.2).
Genomic context (GRCh38, chr21:34,449,461, plus strand): 5'-GAATGGGTCGTTCGAGTGCTCCAGCTTCTTGGAGCGGATGTAGCTCAGCATGATGCCCAG[G>T]GTGAAGAAGCCGAAGAATCCCAGTACCATGAGGACGTAGAGGGCCTCCAGCTTGCCGTCA-3'
Protein context (NP_000210.2, residues 48-68): LMVLGFFGFF[Thr58=]LGIMLSYIRS

Conditions:
Long QT syndrome 5 (LQT5). Identifiers: Orphanet 101016, Orphanet 768, MedGen C1867904, MONDO:0013372, OMIM 613695.

Submission:

Roden Lab, Vanderbilt University Medical Center
No classification provided (evidence only). Condition: Long QT syndrome 5. Review status: no classification provided. Collection method: in vitro. Allele origin: not applicable. Functional consequence: Effect on ion channel function.
ClinVar note: "not provided" was previously submitted as the classification for the variant. However, the classification appeared to be based only on an observation of functional data so it was converted to no classification on 2025-07-30.